The following is an entry in ClinVar:

NM_016944.2(TAS2R4):c.207C>T (p.Phe69=)

Gene: TAS2R4 (taste 2 receptor member 4; plus strand). Cytogenetic location: 7q34.
Variant type: single nucleotide variant.
Coding change: c.207C>T on transcript NM_016944.2 (MANE Select); coding-DNA position 207, C replaced by T.
Protein change: p.Phe69=; no amino-acid change (phenylalanine 69 retained).
Molecular consequence: synonymous variant.
Genome position (GRCh38, 1-based): chr7:141,778,695, C>T. VCF-style: chr7-141778695-C-T. GRCh37 (hg19) VCF-style: chr7-141478495-C-T.
Identifiers: ClinVar variation 4533773 (VCV004533773.6).

ClinVar aggregate classification (germline): Likely benign (1 of 4 stars; one submission).

Submission:

CeGaT Center for Human Genetics Tuebingen
Classification: Likely benign. Last evaluated: 2025-10-01. Review status: criteria provided, single submitter. Criteria: CeGaT Center For Human Genetics Tuebingen Variant Classification Criteria Version 2. Collection method: clinical testing. Allele origin: germline. Affected: yes. Observed: 1 variant allele.
Comment: TAS2R4: BP4, BP7